The following is an entry in ClinVar:

ClinVar aggregate classification (germline): Benign/Likely benign. Review status: criteria provided, multiple submitters, no conflicts (2 of 4 stars). 4 submissions from 4 submitters: Benign (1); Likely benign (3). Last evaluated 2025-08-24.

Conditions:
Hereditary cancer-predisposing syndrome. Also called: Tumor predisposition; Hereditary Cancer Syndrome; Neoplastic Syndromes, Hereditary; Hereditary neoplastic syndrome. Identifiers: Orphanet 140162, MedGen C0027672, MeSH D009386, MONDO:0015356.
Tuberous sclerosis 1 (TSC1). Identifiers: Orphanet 805, MedGen C1854465, MONDO:0008612, OMIM 191100.
Tuberous sclerosis syndrome (TSC). Also called: Tuberous Sclerosis Complex; Tuberous sclerosis. Identifiers: Orphanet 805, MedGen C0041341, MONDO:0001734.

Submissions (4):

Ambry Genetics
Classification: Likely benign for Hereditary cancer-predisposing syndrome. Last evaluated: 2025-08-24. Review status: criteria provided, single submitter. Criteria: Ambry Variant Classification Scheme 2023. Collection method: clinical testing. Allele origin: germline.

Myriad Genetics, Inc.
Classification: Benign for Tuberous sclerosis 1. Last evaluated: 2025-04-07. Review status: criteria provided, single submitter. Criteria: Myriad Autosomal Dominant, Autosomal Recessive and X-Linked Classification Criteria (2023). Collection method: clinical testing. Allele origin: unknown.
Comment: This variant is considered benign. This variant is a silent/synonymous amino acid change and it is not expected to impact splicing.

All of Us Research Program, National Institutes of Health
Classification: Likely benign for Tuberous sclerosis syndrome. Last evaluated: 2023-08-15. Review status: criteria provided, single submitter. Criteria: ACMG Guidelines, 2015. Collection method: clinical testing. Allele origin: germline. Inheritance: Autosomal dominant inheritance. Observed: 1 variant allele, 1 heterozygote.
Comment: This study involves interpretation of variants in research participants for the purpose of population health screening. Participant phenotype was not available at the time of variant classification. Additional details can be found in publication PMID: 35346344, PMCID: PMC8962531

Labcorp Genetics (formerly Invitae), Labcorp
Classification: Likely benign for Tuberous sclerosis 1. Last evaluated: 2020-06-01. Review status: criteria provided, single submitter. Criteria: Invitae Variant Classification Sherloc (09022015). Collection method: clinical testing. Allele origin: germline.

NM_000368.5(TSC1):c.81T>C (p.Ala27=)

Gene: TSC1 (TSC complex subunit 1; minus strand). Cytogenetic location: 9q34.13.
Variant type: single nucleotide variant.
Coding change: c.81T>C on transcript NM_000368.5 (MANE Select); coding-DNA position 81, T replaced by C.
Protein change: p.Ala27=; no amino-acid change (alanine 27 retained).
Molecular consequence: synonymous variant. On other transcripts: 5 prime UTR variant (1).
Genome position (GRCh38, 1-based): chr9:132,928,792, A>G on the plus strand (T>C on the coding strand, the complement: TSC1 is on the minus strand). VCF-style: chr9-132928792-A-G. GRCh37 (hg19) VCF-style: chr9-135804179-A-G.
Other names: c.81T>C, p.Ala27= (NM_001162426.2, NM_001162427.2); c.-179T>C (NM_001362177.2).
Identifiers: ClinVar variation 757888 (VCV000757888.12), dbSNP rs1588363327, ClinGen allele CA467594326.